The following is an entry in ClinVar:

ClinVar aggregate classification (germline): Uncertain significance. Review status: criteria provided, multiple submitters, no conflicts (2 of 4 stars). 2 submissions from 2 submitters: Uncertain significance (2). Last evaluated 2023-06-11.

Conditions:
Hereditary cancer-predisposing syndrome. Also called: Neoplastic Syndromes, Hereditary; Hereditary Cancer Syndrome; Tumor predisposition; Hereditary neoplastic syndrome. Identifiers: Orphanet 140162, MedGen C0027672, MeSH D009386, MONDO:0015356.
Tuberous sclerosis 1 (TSC1). Identifiers: Orphanet 805, MedGen C1854465, MONDO:0008612, OMIM 191100.

Submissions (2):

Labcorp Genetics (formerly Invitae), Labcorp
Classification: Uncertain significance for Tuberous sclerosis 1. Last evaluated: 2023-06-11. Review status: criteria provided, single submitter. Criteria: Invitae Variant Classification Sherloc (09022015). Collection method: clinical testing. Allele origin: germline.
Comment: In summary, the available evidence is currently insufficient to determine the role of this variant in disease. Therefore, it has been classified as a Variant of Uncertain Significance. Advanced modeling of protein sequence and biophysical properties (such as structural, functional, and spatial information, amino acid conservation, physicochemical variation, residue mobility, and thermodynamic stability) performed at Invitae indicates that this missense variant is not expected to disrupt TSC1 protein function. ClinVar contains an entry for this variant (Variation ID: 1692410). This variant has not been reported in the literature in individuals affected with TSC1-related conditions. This variant is not present in population databases (gnomAD no frequency). This sequence change replaces leucine, which is neutral and non-polar, with glutamine, which is neutral and polar, at codon 1151 of the TSC1 protein (p.Leu1151Gln).

Sema4
Classification: Uncertain significance for Hereditary cancer-predisposing syndrome. Last evaluated: 2022-01-25. Review status: criteria provided, single submitter. Criteria: Sema4 Curation Guidelines. Collection method: curation. Allele origin: germline.
Comment: The TSC1 c.3452T>A (p.L1151Q) variant has not been reported in the literature to our knowledge. It was not observed in the large and broad cohorts of the Genome Aggregation Database (PMID: 32461654), nor has it been reported in ClinVar. Functional studies have not been performed, and in silico predictions of the variant's effect on protein function are inconclusive. The evidence is insufficient to meet ACMG/AMP criteria for classifying the variant as benign or pathogenic. Thus, the clinical significance of this variant is currently uncertain.

NM_000368.5(TSC1):c.3452T>A (p.Leu1151Gln)

Gene: TSC1 (TSC complex subunit 1; minus strand). Cytogenetic location: 9q34.13.
Variant type: single nucleotide variant.
Coding change: c.3452T>A on transcript NM_000368.5 (MANE Select); coding-DNA position 3452, T replaced by A.
Protein change: p.Leu1151Gln; replaces leucine 1151 with glutamine.
Molecular consequence: missense variant.
Genome position (GRCh38, 1-based): chr9:132,896,278, A>T on the plus strand (T>A on the coding strand, the complement: TSC1 is on the minus strand). VCF-style: chr9-132896278-A-T. GRCh37 (hg19) VCF-style: chr9-135771665-A-T.
Other names: c.3449T>A, p.Leu1150Gln (NM_001162426.2); c.3299T>A, p.Leu1100Gln (NM_001162427.2); c.3089T>A, p.Leu1030Gln (NM_001362177.2); short protein forms L1030Q, L1100Q, L1150Q, L1151Q.
Identifiers: ClinVar variation 1692410 (VCV001692410.4), dbSNP rs2131586553, ClinGen allele CA375366348.